The following is an entry in ClinVar:

NM_002439.5(MSH3):c.2620C>T (p.Gln874Ter)

Gene: MSH3 (mutS homolog 3; plus strand). Cytogenetic location: 5q14.1.
Variant type: single nucleotide variant.
Coding change: c.2620C>T on transcript NM_002439.5 (MANE Select); coding-DNA position 2620, C replaced by T.
Protein change: p.Gln874Ter; replaces glutamine 874 with a stop codon.
Molecular consequence: nonsense.
Genome position (GRCh38, 1-based): chr5:80,792,809, C>T. VCF-style: chr5-80792809-C-T. GRCh37 (hg19) VCF-style: chr5-80088628-C-T.
Other names: short protein forms Q874*.
Identifiers: ClinVar variation 1070175 (VCV001070175.8), dbSNP rs2112026812, ClinGen allele CA360272989.
Genomic context (GRCh38, chr5:80,792,809, plus strand): 5'-GAAAGAAAAATTGTAATAAAAAATGGAAGGCACCCTGTGATTGATGTGTTGCTGGGAGAA[C>T]AGGATCAATATGTCCCAAATAATACAGATTTATCAGTAAGTACCTTATGCCAAAAAATAA-3'

ClinVar aggregate classification (germline): Pathogenic/Likely pathogenic. Review status: criteria provided, multiple submitters, no conflicts (2 of 4 stars). 3 submissions from 3 submitters: Pathogenic (2); Likely pathogenic (1). Last evaluated 2025-06-14.

Conditions:
Familial adenomatous polyposis 4 (FAP4). Also called: MSH3-related attenuated familial adenomatous polyposis. Identifiers: Orphanet 480536, MedGen C4310719, MONDO:0044300, OMIM 617100.
Endometrial carcinoma. Also called: Endometrial carcinoma, somatic. Identifiers: MedGen C0476089, MONDO:0002447, OMIM 608089, HP:0012114.

gnomAD v4.1: 2 of 1,612,780 alleles (0.00012%); highest among the groups gnomAD compares: East Asian, 0.0022%; no homozygotes.

Submissions (3):

Labcorp Genetics (formerly Invitae), Labcorp
Classification: Pathogenic. Last evaluated: 2025-06-14. Review status: criteria provided, single submitter. Criteria: Invitae Variant Classification Sherloc (09022015). Collection method: clinical testing. Allele origin: germline.
Comment: This sequence change creates a premature translational stop signal (p.Gln874*) in the MSH3 gene. It is expected to result in an absent or disrupted protein product. Loss-of-function variants in MSH3 are known to be pathogenic (PMID: 27476653, 37402566). This variant is not present in population databases (gnomAD no frequency). This variant has not been reported in the literature in individuals affected with MSH3-related conditions. ClinVar contains an entry for this variant (Variation ID: 1070175). For these reasons, this variant has been classified as Pathogenic.

Baylor Genetics
Classification: Likely pathogenic for Endometrial carcinoma. Last evaluated: 2023-12-15. Review status: criteria provided, single submitter. Criteria: ACMG Guidelines, 2015. Collection method: clinical testing. Allele origin: unknown.

Myriad Genetics, Inc.
Classification: Pathogenic for Familial adenomatous polyposis 4. Last evaluated: 2023-08-31. Review status: criteria provided, single submitter. Criteria: Myriad Autosomal Dominant, Autosomal Recessive and X-Linked Classification Criteria (2023). Collection method: clinical testing. Allele origin: unknown.
Comment: This variant is considered pathogenic. This variant creates a termination codon and is predicted to result in premature protein truncation.

Literature cited by the submitters: PubMed 27476653 (cited by Labcorp Genetics (formerly Invitae), Labcorp); PubMed 37402566 (cited by Labcorp Genetics (formerly Invitae), Labcorp).